The following is an entry in ClinVar:

ClinVar aggregate classification (germline): Likely benign. Review status: criteria provided, multiple submitters, no conflicts (2 of 4 stars). 3 submissions from 3 submitters: Likely benign (2). 1 of the submissions does not count toward it. Last evaluated 2021-01-13.

Conditions:
MYH14-related disorder. Also called: MYH14-related condition.

Allele frequency attached by ClinVar (database versions not stated): gnomAD 0.00001; TOPMed 0.00002.
gnomAD v4.1: 31 of 1,551,142 alleles (0.002%); highest among the groups gnomAD compares: East Asian, 0.029%; no homozygotes.

Submissions (3):

Blueprint Genetics
Classification: Likely benign. Last evaluated: 2021-01-13. Review status: criteria provided, single submitter. Criteria: ACMG Guidelines, 2015. Collection method: clinical testing. Allele origin: germline.

Laboratory for Molecular Medicine, Mass General Brigham Personalized Medicine
Classification: Likely benign. Last evaluated: 2015-08-12. Review status: criteria provided, single submitter. Criteria: LMM Criteria. Collection method: clinical testing. Allele origin: germline. Observed: 1 variant allele.
Comment: p.Ser665Ser in exon 17 of MYH14: This variant is not expected to have clinical s ignificance because it does not alter an amino acid residue and is not located w ithin the splice consensus sequence.

PreventionGenetics, part of Exact Sciences
Classification: Likely benign for MYH14-related condition. Last evaluated: 2019-03-20. Review status: no assertion criteria provided. Collection method: clinical testing. Allele origin: germline. Not counted in ClinVar's aggregate classification.
Comment: This variant is classified as likely benign based on ACMG/AMP sequence variant interpretation guidelines (Richards et al. 2015 PMID: 25741868, with internal and published modifications).

NM_001145809.2(MYH14):c.1995G>A (p.Ser665=)

Gene: MYH14 (myosin heavy chain 14; plus strand). Cytogenetic location: 19q13.33.
Variant type: single nucleotide variant.
Coding change: c.1995G>A on transcript NM_001145809.2 (MANE Select); coding-DNA position 1995, G replaced by A.
Protein change: p.Ser665=; no amino-acid change (serine 665 retained).
Molecular consequence: synonymous variant. On other transcripts: intron variant (2).
Genome position (GRCh38, 1-based): chr19:50,255,269, G>A. VCF-style: chr19-50255269-G-A. GRCh37 (hg19) VCF-style: chr19-50758526-G-A.
Other names: c.1946-2030G>A (NM_001077186.2); c.1922-2030G>A (NM_024729.4).
Identifiers: ClinVar variation 227575 (VCV000227575.7), dbSNP rs876657514, ClinGen allele CA10577106.